The following is an entry in ClinVar:

ClinVar aggregate classification (germline): Uncertain significance (1 of 4 stars; one submission).

Conditions:
Hereditary cancer-predisposing syndrome. Also called: Hereditary Cancer Syndrome; Neoplastic Syndromes, Hereditary; Tumor predisposition; Hereditary neoplastic syndrome. Identifiers: Orphanet 140162, MedGen C0027672, MeSH D009386, MONDO:0015356.

Submission:

Ambry Genetics
Classification: Uncertain significance for Hereditary cancer-predisposing syndrome. Last evaluated: 2016-01-22. Review status: criteria provided, single submitter. Criteria: Ambry Variant Classification Scheme 2023. Collection method: clinical testing. Allele origin: germline.
Comment: The p.L1407R variant (also known as c.4220T>G), located in coding exon 11 of the BRCA1 gene, results from a T to G substitution at nucleotide position 4220. The leucine at codon 1407 is replaced by arginine, an amino acid with dissimilar properties. This variant was not reported in population based cohorts in the following databases: Database of Single Nucleotide Polymorphisms (dbSNP), NHLBI Exome Sequencing Project (ESP), and 1000 Genomes Project. In the ESP, this variant was not observed in 6503 samples (13006 alleles) with coverage at this position. To date, this alteration has been detected with an allele frequency of approximately 0.0004% (greater than 225000 alleles tested) in our clinical cohort. This amino acid position is well conserved in available vertebrate species. In addition, this alteration is predicted to be benign by PolyPhen but deleterious by SIFT in silico analyses. Since supporting evidence is limited at this time, the clinical significance of this alteration remains unclear.

NM_007294.4(BRCA1):c.4220T>G (p.Leu1407Arg)

Gene: BRCA1 (BRCA1 DNA repair associated; minus strand). Cytogenetic location: 17q21.31.
Variant type: single nucleotide variant.
Coding change: c.4220T>G on transcript NM_007294.4 (MANE Select); coding-DNA position 4220, T replaced by G.
Protein change: p.Leu1407Arg; replaces leucine 1407 with arginine.
Molecular consequence: missense variant. On other transcripts: non-coding transcript variant (1).
Genome position (GRCh38, 1-based): chr17:43,082,541, A>C on the plus strand (T>G on the coding strand, the complement: BRCA1 is on the minus strand). VCF-style: chr17-43082541-A-C. GRCh37 (hg19) VCF-style: chr17-41234558-A-C.
Other names: c.908T>G, p.Leu303Arg (NM_001407981.1, NM_001407982.1, NM_001407983.1 and 18 more transcripts); c.911T>G, p.Leu304Arg (NM_001407993.1, NM_007298.4, NM_007299.4 and 9 more transcripts); c.905T>G, p.Leu302Arg (NM_001408400.1, NM_001408401.1, NM_001408402.1 and 1 more transcripts); c.902T>G, p.Leu301Arg (NM_001408406.1, NM_001408408.1); c.833T>G, p.Leu278Arg (NM_001408409.1, NM_001408411.1, NM_001408412.1 and 2 more transcripts); c.770T>G, p.Leu257Arg (NM_001408410.1, NM_001408452.1, NM_001408453.1 and 8 more transcripts); c.830T>G, p.Leu277Arg (NM_001408413.1, NM_001408416.1); c.794T>G, p.Leu265Arg (NM_001408418.1, NM_001408419.1, NM_001408420.1 and 2 more transcripts); and 51 more; short protein forms L1407R, L1360R, L304R, L1280R, L1337R, L1359R, L136R, L1380R.
Identifiers: ClinVar variation 481429 (VCV000481429.5), dbSNP rs80357492, ClinGen allele CA10593281.